The following is an entry in ClinVar:

ClinVar aggregate classification (germline): Uncertain significance (1 of 4 stars; one submission).

Submission:

Women's Health and Genetics/Laboratory Corporation of America, LabCorp
Classification: Uncertain significance. Last evaluated: 2023-08-08. Review status: criteria provided, single submitter. Criteria: LabCorp Variant Classification Summary - May 2015. Collection method: clinical testing. Allele origin: germline.
Comment: Variant summary: SYNE2 c.6135_6136delinsGA (p.Ser2045_Phe2046delinsArgIle) results in an in-frame deletion-insertion that is predicted to replace 2 amino acids in the Spectrin/alpha-actinin repeat (IPR018159) in the encoded protein. The variant was absent in 249224 control chromosomes (gnomAD). The available data on variant occurrences in the general population are insufficient to allow any conclusion about variant significance. To our knowledge, no occurrence of c.6135_6136delinsGA in individuals affected with Emery-Dreifuss Muscular Dystrophy 5, Autosomal Dominant and no experimental evidence demonstrating its impact on protein function have been reported. No submitters have cited clinical-significance assessments for this variant to ClinVar after 2014. Based on the evidence outlined above, the variant was classified as uncertain significance.

NM_182914.3(SYNE2):c.6135_6136delinsGA (p.Ser2045_Phe2046delinsArgIle)

Gene: SYNE2 (spectrin repeat containing nuclear envelope protein 2; plus strand). Cytogenetic location: 14q23.2.
Variant type: Indel.
Coding change: c.6135_6136delinsGA on transcript NM_182914.3 (MANE Select); coding-DNA positions 6135 to 6136, CT replaced by GA.
Protein change: p.Ser2045_Phe2046delinsArgIle.
Molecular consequence: missense variant.
Genome position (GRCh38, 1-based): chr14:64,025,304-64,025,305, CT replaced by GA. VCF-style: chr14-64025304-CT-GA. GRCh37 (hg19) VCF-style: chr14-64492022-CT-GA.
Other names: c.6135_6136delinsGA, p.Ser2045_Phe2046delinsArgIle (NM_015180.6).
Identifiers: ClinVar variation 2581590 (VCV002581590.1), dbSNP rs2551145902, ClinGen allele CA2582341758.
Genomic context (GRCh38, chr14:64,025,304, plus strand): 5'-ACTGAGACAACTAAGTGAAATCGAGGAAGAGGATAAGTTACTACCCACAGAGGACCAGAG[CT>GA]TTAATGATCTTGCACATGATGTAATTCATTGGATAAAAGAGATTAAAGAGTCCCTTATGG-3'